The following is an entry in ClinVar:

NM_000059.4(BRCA2):c.1128del (p.Phe376fs)

Gene: BRCA2 (BRCA2 DNA repair associated; plus strand). Cytogenetic location: 13q13.1.
Variant type: Deletion.
Coding change: c.1128del on transcript NM_000059.4 (MANE Select); coding-DNA position 1128, one base deleted (T; older notation c.1128delT).
Protein change: p.Phe376fs; shifts the reading frame from phenylalanine 376.
Molecular consequence: frameshift variant.
Genome position (GRCh38, 1-based): chr13:32,332,606, T deleted; the last of 3 consecutive T bases (chr13:32,332,604-32,332,606); deleting any one gives the same sequence. VCF-style (leftmost placement, unchanged base first): chr13-32332603-CT-C. GRCh37 (hg19) VCF-style: chr13-32906740-CT-C.
Other names: 1356delT; c.1128delT (NM_000059.3).
Identifiers: ClinVar variation 51069 (VCV000051069.23), dbSNP rs80359263, ClinGen allele CA010894.

ClinVar aggregate classification (germline): Pathogenic. Review status: reviewed by expert panel (3 of 4 stars). 8 submissions from 8 submitters: Pathogenic (1). 7 of the submissions do not count toward it. Last evaluated 2016-09-08.

Conditions:
BRCA2-related cancer predisposition. Identifiers: MedGen CN377758, MONDO:0700269.
Hereditary cancer-predisposing syndrome. Also called: Hereditary Cancer Syndrome; Neoplastic Syndromes, Hereditary; Hereditary neoplastic syndrome; Tumor predisposition. Identifiers: Orphanet 140162, MedGen C0027672, MeSH D009386, MONDO:0015356.
Hereditary breast ovarian cancer syndrome. Also called: Breast and ovarian cancer; Hereditary breast and ovarian cancer syndrome; Hereditary breast and ovarian cancer syndrome (HBOC); BRCA1- and BRCA2-Associated Hereditary Breast and Ovarian Cancer; Hereditary breast and ovarian cancer; Hereditary breast and/or ovarian cancer syndrome. Identifiers: Orphanet 145, MedGen C0677776, MeSH D061325, MONDO:0003582. Disease mechanism: loss of function.
Breast-ovarian cancer, familial, susceptibility to, 2 (BROVCA2). Also called: BRCA2 Hereditary Breast and Ovarian Cancer. Identifiers: Orphanet 145, MedGen C2675520, MONDO:0012933, OMIM 612555. Disease mechanism: loss of function.

Submissions (8):

Evidence-based Network for the Interpretation of Germline Mutant Alleles (ENIGMA)
Classification: Pathogenic for Breast-ovarian cancer, familial, susceptibility to, 2. Last evaluated: 2016-09-08. Review status: reviewed by expert panel. Criteria: ENIGMA BRCA1/2 Classification Criteria (2015). Collection method: curation. Allele origin: germline.
Comment: Variant allele predicted to encode a truncated non-functional protein.

Hema, HEMA – Genetic and Molecular Diagnostic Laboratory
Classification: Pathogenic for BRCA2-related cancer predisposition. Last evaluated: 2026-05-05. Review status: criteria provided, single submitter. Criteria: HEMA Variant Classification Assertion Criteria. Collection method: clinical testing. Allele origin: germline. Not counted in ClinVar's aggregate classification.
Comment: It is a low-penetrance pathogenic variant in the APC gene (PMID: 37076288). The prevalence of the variant is significantly higher in cases of colorectal cancer than in controls, in individuals of Ashkenazi Jewish descent. The variant affects a conserved residue located in a critical domain of the APC protein: the β-catenin binding domain. Despite the neutral effect predicted by in silico tools, the nucleotide change c.3920T>A affects a sequence element (A)3(T)(A)4, converting it into an extended tract of eight adenine nucleotides (A8). In vivo and in vitro studies have demonstrated that this substitution causes the polymerase to slip during DNA replication, conferring a greater propensity for somatic truncating mutations in this allele. The known cancer risks are currently limited to individuals of Ashkenazi Jewish descent. In individuals of Ashkenazi Jewish descent, the variant increases the risk of colorectal cancer. The variant does not increase the risk of polyposis, despite being an APC variant. To date, there are no reliable data suggesting that the risks of other types of cancer and in other populations (non-Ashkenazi Jews and non-Jewish individuals) are higher than in the general population.

Molecular Diagnostics Laboratory, Catalan Institute of Oncology
Classification: Pathogenic for Hereditary cancer-predisposing syndrome. Last evaluated: 2024-11-06. Review status: criteria provided, single submitter. Criteria: ClinGen BRCA1BRCA2 ACMG Specifications BRCA2 V1.0.0. Collection method: clinical testing. Allele origin: germline. Not counted in ClinVar's aggregate classification.
Comment: PVS1, PM5_PTC_Strong c.1128del, located in exon 10 of the BRCA2 gene, consists in the deletion of 1 nucleotide, causing a translational frameshift with a predicted alternate stop codon p.(Phe376Leufs*23). This alteration is expected to result in loss of function by premature protein truncation and nonsense-mediated mRNA decay (PVS1 and PM5_PTC_Strong). It is not present in the population database gnomAD v2.1.1, non-cancer dataset. To our knowledge, neither relevant clinical data nor well-established functional studies have been reported for this variant. It has been reported in cancer-affected individuals (PMID: 29907814, 23479189, data from our internal cohort). This variant has been reported in the ClinVar database (5x pathogenic), in the LOVD database (2x pathogenic) and BRCA Exchange database (pathogenic). Based on currently available information, the variant c.1128del should be considered a pathogenic variant.

Color Diagnostics, LLC DBA Color Health
Classification: Pathogenic for Hereditary cancer-predisposing syndrome. Last evaluated: 2020-01-15. Review status: criteria provided, single submitter. Criteria: ACMG Guidelines, 2015. Collection method: clinical testing. Allele origin: germline. Not counted in ClinVar's aggregate classification.
Comment: This variant deletes 1 nucleotide in exon 10 of the BRCA2 gene, creating a frameshift and premature translation stop signal. This variant is expected to result in an absent or non-functional protein product. This variant has not been identified in the general population by the Genome Aggregation Database (gnomAD). Loss of BRCA2 function is a known mechanism of disease. Based on the available evidence, this variant is classified as Pathogenic.

Labcorp Genetics (formerly Invitae), Labcorp
Classification: Pathogenic for Hereditary breast ovarian cancer syndrome. Last evaluated: 2019-11-13. Review status: criteria provided, single submitter. Criteria: Invitae Variant Classification Sherloc (09022015). Collection method: clinical testing. Allele origin: germline. Not counted in ClinVar's aggregate classification.
Comment: Loss-of-function variants in BRCA2 are known to be pathogenic (PMID: 20104584). This variant has been observed in individual(s) with hereditary breast and/or ovarian cancer (PMID: 29907814, 23479189). This variant has also been reported as c.1126delT in the literature. ClinVar contains an entry for this variant (Variation ID: 51069). This variant is not present in population databases (ExAC no frequency). This sequence change creates a premature translational stop signal (p.Phe376Leufs*23) in the BRCA2 gene. It is expected to result in an absent or disrupted protein product. For these reasons, this variant has been classified as Pathogenic.

Ambry Genetics
Classification: Pathogenic for Hereditary cancer-predisposing syndrome. Last evaluated: 2019-01-15. Review status: criteria provided, single submitter. Criteria: Ambry Variant Classification Scheme 2023. Collection method: clinical testing. Allele origin: germline. Not counted in ClinVar's aggregate classification.
Comment: The c.1128delT pathogenic mutation, located in coding exon 9 of the BRCA2 gene, results from a deletion of one nucleotide at nucleotide position 1128, causing a translational frameshift with a predicted alternate stop codon (p.F376Lfs*23). This mutation has been reported in Brazilian and Spanish probands with hereditary breast and/or ovarian cancer (Rebbeck TR et al. Hum. Mutat. 2018 May;39(5):593-620; Palmero E et al. Sci Rep 2018 Jun;8(1):9188). This alteration is expected to result in loss of function by premature protein truncation or nonsense-mediated mRNA decay. As such, this alteration is interpreted as a disease-causing mutation.

Consortium of Investigators of Modifiers of BRCA1/2 (CIMBA), c/o University of Cambridge
Classification: Pathogenic for Breast-ovarian cancer, familial, susceptibility to, 2. Last evaluated: 2015-10-02. Review status: criteria provided, single submitter. Criteria: CIMBA Mutation Classification guidelines May 2016. Collection method: clinical testing. Allele origin: germline. Not counted in ClinVar's aggregate classification.

Breast Cancer Information Core (BIC) (BRCA2)
Classification: Pathogenic for Breast-ovarian cancer, familial 2. Last evaluated: 2004-02-20. Review status: no assertion criteria provided. Collection method: clinical testing. Allele origin: germline. Affected: yes. Observed: 2 variant alleles. Not counted in ClinVar's aggregate classification.

Literature cited by the submitters: PubMed 20104584 (cited by Labcorp Genetics (formerly Invitae), Labcorp); PubMed 29907814 (cited by Labcorp Genetics (formerly Invitae), Labcorp); PubMed 23479189 (cited by Labcorp Genetics (formerly Invitae), Labcorp).